The following is an entry in ClinVar:

ClinVar aggregate classification (germline): Uncertain significance. Review status: criteria provided, multiple submitters, no conflicts (2 of 4 stars). 2 submissions from 2 submitters: Uncertain significance (2). Last evaluated 2026-07-28.

Conditions:
OTOA-related disorder. Also called: OTOA-related condition.
Inborn genetic diseases. Identifiers: MedGen C0950123, MeSH D030342.

Allele frequency attached by ClinVar (database versions not stated): ExAC 0.00002; gnomAD exomes 0.00002.
gnomAD v4.1: 33 of 1,614,052 alleles (0.002%); highest among the groups gnomAD compares: South Asian, 0.0055%; no homozygotes.

Submissions (2):

PreventionGenetics, part of Exact Sciences
Classification: Uncertain significance for OTOA-related condition. Last evaluated: 2026-07-28. Review status: criteria provided, single submitter. Criteria: ACMG Guidelines, 2015. Collection method: clinical testing. Allele origin: germline.
Comment: The OTOA c.1234G>A variant is predicted to result in the amino acid substitution p.Gly412Arg. To our knowledge, this variant has not been reported in the literature. This variant is reported in 0.0065% of alleles in individuals of South Asian descent in gnomAD. At this time, the clinical significance of this variant is uncertain due to the absence of conclusive functional and genetic evidence.

Ambry Genetics
Classification: Uncertain significance for Inborn genetic diseases. Last evaluated: 2022-09-14. Review status: criteria provided, single submitter. Criteria: Ambry Variant Classification Scheme 2023. Collection method: clinical testing. Allele origin: germline.

NM_144672.4(OTOA):c.1234G>A (p.Gly412Arg)

Gene: OTOA (otoancorin). Cytogenetic location: 16p12.2.
Variant type: single nucleotide variant.
Coding change: c.1234G>A on transcript NM_144672.4 (MANE Select); coding-DNA position 1234, G replaced by A.
Protein change: p.Gly412Arg; replaces glycine 412 with arginine.
Molecular consequence: missense variant.
Genome position (GRCh38, 1-based): chr16:21,710,017, G>A. VCF-style: chr16-21710017-G-A. GRCh37 (hg19) VCF-style: chr16-21721338-G-A.
Other names: c.997G>A, p.Gly333Arg (NM_001161683.2); c.262G>A, p.Gly88Arg (NM_170664.3); short protein forms G412R, G88R, G333R.
Identifiers: ClinVar variation 2312220 (VCV002312220.3), dbSNP rs775318682, ClinGen allele CA7952573.